The following is an entry in ClinVar:

NM_001129.5(AEBP1):c.1630+3G>T

Gene: AEBP1 (AE binding protein 1; plus strand). Cytogenetic location: 7p13.
Variant type: single nucleotide variant.
Coding change: c.1630+3G>T on transcript NM_001129.5 (MANE Select); 3 bases into the intron after coding-DNA position 1630, G replaced by T.
Molecular consequence: intron variant.
Genome position (GRCh38, 1-based): chr7:44,111,060, G>T. VCF-style: chr7-44111060-G-T. GRCh37 (hg19) VCF-style: chr7-44150659-G-T.
Identifiers: ClinVar variation 4719409 (VCV004719409.1).

ClinVar aggregate classification (germline): Uncertain significance (1 of 4 stars; one submission).

Submission:

Labcorp Genetics (formerly Invitae), Labcorp
Classification: Uncertain significance. Last evaluated: 2025-07-28. Review status: criteria provided, single submitter. Criteria: Invitae Variant Classification Sherloc (09022015). Collection method: clinical testing. Allele origin: germline.
Comment: This sequence change falls in intron 13 of the AEBP1 gene. It does not directly change the encoded amino acid sequence of the AEBP1 protein. It affects a nucleotide within the consensus splice site. This variant is not present in population databases (gnomAD no frequency). This variant has not been reported in the literature in individuals affected with AEBP1-related conditions. Variants that disrupt the consensus splice site are a relatively common cause of aberrant splicing (PMID: 17576681, 9536098). Algorithms developed to predict the effect of sequence changes on RNA splicing suggest that this variant may disrupt the consensus splice site. In summary, the available evidence is currently insufficient to determine the role of this variant in disease. Therefore, it has been classified as a Variant of Uncertain Significance.

Literature cited by the submitters: PubMed 17576681; PubMed 9536098.